The following is an entry in ClinVar:

NM_001035.3(RYR2):c.13836T>G (p.Phe4612Leu)

Gene: RYR2 (ryanodine receptor 2; plus strand). Cytogenetic location: 1q43.
Variant type: single nucleotide variant.
Coding change: c.13836T>G on transcript NM_001035.3 (MANE Select); coding-DNA position 13836, T replaced by G.
Protein change: p.Phe4612Leu; replaces phenylalanine 4612 with leucine.
Molecular consequence: missense variant.
Genome position (GRCh38, 1-based): chr1:237,793,920, T>G. VCF-style: chr1-237793920-T-G. GRCh37 (hg19) VCF-style: chr1-237957220-T-G.
Other names: short protein forms F4612L.
Identifiers: ClinVar variation 1363823 (VCV001363823.7), dbSNP rs2149388137, ClinGen allele CA345418098.

ClinVar aggregate classification (germline): Pathogenic (1 of 4 stars; one submission).

Conditions:
Catecholaminergic polymorphic ventricular tachycardia 1. Also called: RYR2-Related Catecholaminergic Polymorphic Ventricular Tachycardia; VENTRICULAR TACHYCARDIA, CATECHOLAMINERGIC POLYMORPHIC, 1, WITH OR WITHOUT ATRIAL DYSFUNCTION AND/OR DILATED CARDIOMYOPATHY; VENTRICULAR TACHYCARDIA, STRESS-INDUCED POLYMORPHIC 1. Identifiers: Orphanet 3286, MedGen C1631597, MONDO:0011484, OMIM 604772.

Submission:

Labcorp Genetics (formerly Invitae), Labcorp
Classification: Pathogenic for Catecholaminergic polymorphic ventricular tachycardia 1. Last evaluated: 2021-12-18. Review status: criteria provided, single submitter. Criteria: Invitae Variant Classification Sherloc (09022015). Collection method: clinical testing. Allele origin: germline.
Comment: For these reasons, this variant has been classified as Pathogenic. Advanced modeling of protein sequence and biophysical properties (such as structural, functional, and spatial information, amino acid conservation, physicochemical variation, residue mobility, and thermodynamic stability) performed at Invitae indicates that this missense variant is expected to disrupt RYR2 protein function. This missense change has been observed in individual(s) with clinical features of catecholaminergic polymorphic ventricular tachycardia (Invitae). In at least one individual the variant was observed to be de novo. This variant is not present in population databases (gnomAD no frequency). This sequence change replaces phenylalanine, which is neutral and non-polar, with leucine, which is neutral and non-polar, at codon 4612 of the RYR2 protein (p.Phe4612Leu).